The following is an entry in ClinVar:

ClinVar aggregate classification (germline): Likely benign (0 of 4 stars; one submission).

Conditions:
HIVEP1-related disorder. Also called: HIVEP1-related condition.

gnomAD v4.1: 2 of 1,614,142 alleles (0.00012%); highest among the groups gnomAD compares: Non-Finnish European, 0.00017%; no homozygotes.

Submission:

PreventionGenetics, part of Exact Sciences
Classification: Likely benign for HIVEP1-related condition. Last evaluated: 2024-03-07. Review status: no assertion criteria provided. Collection method: clinical testing. Allele origin: germline.
Comment: This variant is classified as likely benign based on ACMG/AMP sequence variant interpretation guidelines (Richards et al. 2015 PMID: 25741868, with internal and published modifications).

NM_002114.4(HIVEP1):c.2811C>T (p.Ser937=)

Gene: HIVEP1 (HIVEP zinc finger 1; plus strand). Cytogenetic location: 6p24.1.
Variant type: single nucleotide variant.
Coding change: c.2811C>T on transcript NM_002114.4 (MANE Select); coding-DNA position 2811, C replaced by T.
Protein change: p.Ser937=; no amino-acid change (serine 937 retained).
Molecular consequence: synonymous variant.
Genome position (GRCh38, 1-based): chr6:12,122,606, C>T. VCF-style: chr6-12122606-C-T. GRCh37 (hg19) VCF-style: chr6-12122839-C-T.
Identifiers: ClinVar variation 3357058 (VCV003357058.1).
Genomic context (GRCh38, chr6:12,122,606, plus strand): 5'-GTCCCTGGATGAGAGCCACCAAGGATGCCATGCTGCTGGTGAAGCCATGTCAGTGAGGAG[C>T]AAGGCACTGGCACAAGGCCCACATATAGAAAAAAAGAAGTCTCATCAAGGGCGAGGGACA-3'
Protein context (NP_002105.3, residues 927-947): HAAGEAMSVR[Ser937=]KALAQGPHIE